The following is an entry in ClinVar:

NM_003560.4(PLA2G6):c.1427+2T>C

Gene: PLA2G6 (phospholipase A2 group VI; minus strand). Cytogenetic location: 22q13.1.
Variant type: single nucleotide variant.
Coding change: c.1427+2T>C on transcript NM_003560.4 (MANE Select); the canonical splice donor site of the intron after coding-DNA position 1427, T replaced by C.
Molecular consequence: splice donor variant.
Genome position (GRCh38, 1-based): chr22:38,126,369, A>G on the plus strand (T>C on the coding strand, the complement: PLA2G6 is on the minus strand). VCF-style: chr22-38126369-A-G. GRCh37 (hg19) VCF-style: chr22-38522376-A-G.
Other names: NM_001004426.3:c.1265+2T>C; c.749+2T>C (NM_001349868.2); c.1265+2T>C (NM_001349866.2, NM_001199562.3, NM_001349865.2 and 1 more transcripts); c.731+2T>C (NM_001349869.2); c.893+2T>C (NM_001349867.2); c.1427+2T>C (NM_001349864.2).
Identifiers: ClinVar variation 2412648 (VCV002412648.1), dbSNP rs1352483031, ClinGen allele CA411529014.

ClinVar aggregate classification (germline): Pathogenic (1 of 4 stars; one submission).

Conditions:
PLA2G6-associated neurodegeneration (PLAN). Also called: phospholipase A2-associated neurodegeneration. Identifiers: Orphanet 329303, MedGen CN204472, MONDO:0017998.

Allele frequency attached by ClinVar (database versions not stated): gnomAD exomes below 0.00001; TOPMed below 0.00001.
gnomAD v4.1: 1 of 1,611,342 alleles (0.000062%); highest among the groups gnomAD compares: African/African-American, 0.0013%; no homozygotes.

Submission:

Broad Center for Mendelian Genomics, Broad Institute of MIT and Harvard
Classification: Pathogenic for PLA2G6-associated neurodegeneration. Last evaluated: 2023-01-24. Review status: criteria provided, single submitter. Criteria: ACMG Guidelines, 2015. Collection method: curation. Allele origin: germline. Inheritance: Autosomal recessive inheritance.
Comment: The c.1427+2T>C variant in PLA2G6 has been reported in 2 individuals with PLA2G6-associated neurodegeneration (PMID: 29739362, 29859652) and has been identified in 0.006% (1/16232) of African/African American chromosomes by the Genome Aggregation Database (gnomAD; dbSNP ID: rs1352483031). Although this variant has been seen in the general population in a heterozygous state, its frequency is low enough to be consistent with a recessive carrier frequency. This variant has also been reported in ClinVar (Variation ID#: 437465) and has been interpreted as pathogenic/likely pathogenic by Genomic Research Center (Shahid Beheshti University of Medical Sciences), Fulgent Genetics (Fulgent Genetics), Baylor Genetics, Invitae, and PerkinElmer Genomics. Of the 2 affected individuals, 1 of those was a homozygote, which increases the likelihood that the c.1427+2T>C variant is pathogenic (PMID: 29739362). This variant is located in the 3' splice region. Computational tools predict a splicing impact, though this information is not predictive enough to determine pathogenicity. Loss of function of the PLA2G6 gene is an established disease mechanism in autosomal recessive PLA2G6-associated neurodegeneration. In summary, this variant meets criteria to be classified as pathogenic for autosomal recessive PLA2G6-associated neurodegeneration. ACMG/AMP Criteria applied: PVS1, PM3_supporting, PM2_supporting (Richards 2015).